The following is an entry in ClinVar:

NM_003820.4(TNFRSF14):c.305-401G>T

Gene: TNFRSF14 (TNF receptor superfamily member 14; plus strand). Cytogenetic location: 1p36.32.
Variant type: single nucleotide variant.
Coding change: c.305-401G>T on transcript NM_003820.4 (MANE Select); 401 bases into the intron before coding-DNA position 305, G replaced by T.
Molecular consequence: intron variant.
Genome position (GRCh38, 1-based): chr1:2,559,422, G>T. VCF-style: chr1-2559422-G-T. GRCh37 (hg19) VCF-style: chr1-2490861-G-T.
Other names: c.305-401G>T (NM_001297605.2).
Identifiers: ClinVar variation 133402 (VCV000133402.1), dbSNP rs587777986, ClinGen allele CA156494.

ClinVar aggregate classification (germline): not provided (0 of 4 stars; one submission).

Submission:

ITMI
No classification provided. Condition: AllHighlyPenetrant. Last evaluated: 2013-09-19. Review status: no classification provided. Collection method: reference population. Allele origin: germline.
Comment: Please see associated publication for description of ethnicities

Literature cited by the submitters: PubMed 24728327.